The following is an entry in ClinVar:

ClinVar aggregate classification (germline): Likely benign (1 of 4 stars; one submission).

Allele frequency attached by ClinVar (database versions not stated): 1000 Genomes Project 30x 0.00031; 1000 Genomes Project 0.00040; gnomAD 0.00102; TOPMed 0.00108; ESP Exome Variant Server 0.00117; ExAC 0.00140; gnomAD exomes 0.00148.
gnomAD v4.1: 2,345 of 1,613,794 alleles (0.15%); highest among the groups gnomAD compares: South Asian, 0.27%; 8 homozygotes.

Submission:

CeGaT Center for Human Genetics Tuebingen
Classification: Likely benign. Last evaluated: 2024-06-01. Review status: criteria provided, single submitter. Criteria: CeGaT Center For Human Genetics Tuebingen Variant Classification Criteria Version 2. Collection method: clinical testing. Allele origin: germline. Affected: yes. Observed: 1 variant allele.
Comment: HIVEP1: BP4, BP7

NM_002114.4(HIVEP1):c.6000C>T (p.Tyr2000=)

Gene: HIVEP1 (HIVEP zinc finger 1; plus strand). Cytogenetic location: 6p24.1.
Variant type: single nucleotide variant.
Coding change: c.6000C>T on transcript NM_002114.4 (MANE Select); coding-DNA position 6000, C replaced by T.
Protein change: p.Tyr2000=; no amino-acid change (tyrosine 2000 retained).
Molecular consequence: synonymous variant.
Genome position (GRCh38, 1-based): chr6:12,125,795, C>T. VCF-style: chr6-12125795-C-T. GRCh37 (hg19) VCF-style: chr6-12126028-C-T.
Identifiers: ClinVar variation 3250562 (VCV003250562.18), dbSNP rs35509237.